The following is an entry in ClinVar:

NM_000092.5(COL4A4):c.3062dup (p.Gln1022fs)

Gene: COL4A4 (collagen type IV alpha 4 chain; minus strand). Cytogenetic location: 2q36.3.
Variant type: Duplication.
Coding change: c.3062dup on transcript NM_000092.5 (MANE Select); coding-DNA position 3062, one base duplicated (G; older notation c.3062dupG).
Protein change: p.Gln1022fs; shifts the reading frame from glutamine 1022.
Molecular consequence: frameshift variant.
Genome position (GRCh38, 1-based): chr2:227,051,065, C duplicated on the plus strand (G on the coding strand, the reverse complement: COL4A4 is on the minus strand); the first of 2 consecutive C bases (chr2:227,051,065-227,051,066); duplicating either gives the same sequence. VCF-style (leftmost placement, unchanged base first): chr2-227051064-A-AC. GRCh37 (hg19) VCF-style: chr2-227915780-A-AC.
Other names: short protein forms Q1022fs.
Identifiers: ClinVar variation 5011865 (VCV005011865.1).
Genomic context (GRCh38, chr2:227,051,064, plus strand): 5'-AATGAACCCTCTTAGACCAGTTGAGCCTGGAGGGCCTGGGGGTCCAGGAGGCCCTGGCTG[A>AC]CCTTTCTCACCAGGTTCCCCTCTGTGAAATCCAGGTGGTCCGTATCTTCCCGGCTCTCCT-3'

ClinVar aggregate classification (germline): Pathogenic (1 of 4 stars; one submission).

Conditions:
Alport syndrome. Also called: Hemorrhagic familial nephritis; Hemorrhagic hereditary nephritis; Congenital hereditary hematuria. Identifiers: Orphanet 63, MedGen C1567741, MONDO:0018965.

Submission:

Myriad Genetics, Inc.
Classification: Pathogenic for Alport syndrome. Last evaluated: 2023-09-27. Review status: criteria provided, single submitter. Criteria: Myriad Autosomal Dominant, Autosomal Recessive and X-Linked Classification Criteria (2023). Collection method: clinical testing. Allele origin: unknown.
Comment: NM_000092.4(COL4A4):c.3062dupG(Q1022Sfs*28) is expected to be pathogenic in the context of Alport syndrome, COL4A4-related. This variant is predicted to lead to an abnormal or absent protein product due to the creation of a premature termination codon in COL4A4, a gene where loss-of-function variants are known to be pathogenic. Please note: this variant was assessed in the context of healthy population screening.